The following is an entry in ClinVar:

ClinVar aggregate classification (germline): Uncertain significance. Review status: criteria provided, multiple submitters, no conflicts (2 of 4 stars). 2 submissions from 2 submitters: Uncertain significance (2). Last evaluated 2024-09-09.

Conditions:
Tumor predisposition syndrome 3 (TPDS3). Also called: Melanoma, cutaneous malignant, susceptibility to, 10; LONG TELOMERE SYNDROME, POT1-RELATED; POT1 Tumor Predisposition; Glioma susceptibility 9. Identifiers: Orphanet 618, MedGen C4014476, MONDO:0014368, OMIM 615848.
Hereditary cancer-predisposing syndrome. Also called: Tumor predisposition; Neoplastic Syndromes, Hereditary; Hereditary Cancer Syndrome; Hereditary neoplastic syndrome. Identifiers: Orphanet 140162, MedGen C0027672, MeSH D009386, MONDO:0015356.

Allele frequency attached by ClinVar (database versions not stated): gnomAD exomes below 0.00001.
gnomAD v4.1: 1 of 1,612,744 alleles (0.000062%); highest among the groups gnomAD compares: Non-Finnish European, 0.000085%; no homozygotes.

Submissions (2):

Labcorp Genetics (formerly Invitae), Labcorp
Classification: Uncertain significance for Tumor predisposition syndrome 3. Last evaluated: 2024-09-09. Review status: criteria provided, single submitter. Criteria: Invitae Variant Classification Sherloc (09022015). Collection method: clinical testing. Allele origin: germline.
Comment: This sequence change replaces threonine, which is neutral and polar, with isoleucine, which is neutral and non-polar, at codon 408 of the POT1 protein (p.Thr408Ile). This variant is not present in population databases (gnomAD no frequency). This variant has not been reported in the literature in individuals affected with POT1-related conditions. ClinVar contains an entry for this variant (Variation ID: 1460792). Invitae Evidence Modeling of protein sequence and biophysical properties (such as structural, functional, and spatial information, amino acid conservation, physicochemical variation, residue mobility, and thermodynamic stability) indicates that this missense variant is not expected to disrupt POT1 protein function with a negative predictive value of 80%. In summary, the available evidence is currently insufficient to determine the role of this variant in disease. Therefore, it has been classified as a Variant of Uncertain Significance.

Ambry Genetics
Classification: Uncertain significance for Hereditary cancer-predisposing syndrome. Last evaluated: 2024-07-05. Review status: criteria provided, single submitter. Criteria: Ambry Variant Classification Scheme 2023. Collection method: clinical testing. Allele origin: germline.
Comment: The p.T408I variant (also known as c.1223C>T), located in coding exon 10 of the POT1 gene, results from a C to T substitution at nucleotide position 1223. The threonine at codon 408 is replaced by isoleucine, an amino acid with similar properties. This amino acid position is not well conserved in available vertebrate species. In addition, this alteration is predicted to be tolerated by in silico analysis. Since supporting evidence is limited at this time, the clinical significance of this alteration remains unclear.

NM_015450.3(POT1):c.1223C>T (p.Thr408Ile)

Gene: POT1 (protection of telomeres 1; minus strand). Cytogenetic location: 7q31.33.
Variant type: single nucleotide variant.
Coding change: c.1223C>T on transcript NM_015450.3 (MANE Select); coding-DNA position 1223, C replaced by T.
Protein change: p.Thr408Ile; replaces threonine 408 with isoleucine.
Molecular consequence: missense variant. On other transcripts: non-coding transcript variant (3).
Genome position (GRCh38, 1-based): chr7:124,841,119, G>A on the plus strand (C>T on the coding strand, the complement: POT1 is on the minus strand). VCF-style: chr7-124841119-G-A. GRCh37 (hg19) VCF-style: chr7-124481173-G-A.
Other names: c.830C>T, p.Thr277Ile (NM_001042594.2); short protein forms T277I, T408I.
Identifiers: ClinVar variation 1460792 (VCV001460792.11), dbSNP rs2116461902, ClinGen allele CA369067548.
Genomic context (GRCh38, chr7:124,841,119, plus strand): 5'-TTTTTAGTGGTCCAGATTTTTGAATCATATAATGATGTATTTTGTAGCTTGACATCTGGG[G>A]TTTTAGTTGCACCATCCTGAAAAATTATATCCAAATCGCCCTCATGTGGAACTTCTTGCC-3'
Protein context (NP_056265.2, residues 398-418): DIIFQDGATK[Thr408Ile]PDVKLQNTSL